The following is an entry in ClinVar:

NM_001042492.3(NF1):c.6392A>C (p.His2131Pro)

Gene: NF1 (neurofibromin 1; plus strand). Cytogenetic location: 17q11.2.
Variant type: single nucleotide variant.
Coding change: c.6392A>C on transcript NM_001042492.3 (MANE Select); coding-DNA position 6392, A replaced by C.
Protein change: p.His2131Pro; replaces histidine 2131 with proline.
Molecular consequence: missense variant.
Genome position (GRCh38, 1-based): chr17:31,336,879, A>C. VCF-style: chr17-31336879-A-C. GRCh37 (hg19) VCF-style: chr17-29663897-A-C.
Other names: c.6329A>C, p.His2110Pro (NM_000267.4); short protein forms H2131P, H2110P.
Identifiers: ClinVar variation 5025552 (VCV005025552.1).
Genomic context (GRCh38, chr17:31,336,879, plus strand): 5'-TAGCCACAGGTCCGCTCTCCCTTAGAGCTTCCACACATGGACTGGTCATTAATATCATTC[A>C]CTCTCTGTGTACTTGTTCACAGCTTCATTTTAGTGGTAAGTTCTAGGAAAGGAATTTGTG-3'
Protein context (NP_001035957.1, residues 2121-2141): STHGLVINII[His2131Pro]SLCTCSQLHF

ClinVar aggregate classification (germline): Uncertain significance (1 of 4 stars; one submission).

Conditions:
Cardiovascular phenotype. Identifiers: MedGen CN230736.
Hereditary cancer-predisposing syndrome. Also called: Neoplastic Syndromes, Hereditary; Tumor predisposition; Hereditary neoplastic syndrome; Hereditary Cancer Syndrome. Identifiers: Orphanet 140162, MedGen C0027672, MeSH D009386, MONDO:0015356.

Submission:

Ambry Genetics
Classification: Uncertain significance for Cardiovascular phenotype; Hereditary cancer-predisposing syndrome. Last evaluated: 2026-07-10. Review status: criteria provided, single submitter. Criteria: Ambry Variant Classification Scheme 2023. Collection method: clinical testing. Allele origin: germline.
Comment: The p.H2110P variant (also known as c.6329A>C), located in coding exon 41 of the NF1 gene, results from an A to C substitution at nucleotide position 6329. The histidine at codon 2110 is replaced by proline, an amino acid with similar properties. This amino acid position is highly conserved in available vertebrate species. In addition, this alteration is predicted to be deleterious by in silico analysis. Based on the available evidence, the clinical significance of this variant remains unclear.